The following is an entry in ClinVar:

ClinVar aggregate classification (germline): Uncertain significance. Review status: criteria provided, multiple submitters, no conflicts (2 of 4 stars). 3 submissions from 3 submitters: Uncertain significance (3). Last evaluated 2025-06-12.

Conditions:
Inborn genetic diseases. Identifiers: MedGen C0950123, MeSH D030342.

Allele frequency attached by ClinVar (database versions not stated): gnomAD 0.00001 and 0.00004; TOPMed 0.00002.
gnomAD v4.1: 54 of 1,581,296 alleles (0.0034%); highest among the groups gnomAD compares: South Asian, 0.041%; no homozygotes.

Submissions (3):

Labcorp Genetics (formerly Invitae), Labcorp
Classification: Uncertain significance. Last evaluated: 2025-06-12. Review status: criteria provided, single submitter. Criteria: Invitae Variant Classification Sherloc (09022015). Collection method: clinical testing. Allele origin: germline.
Comment: This sequence change replaces aspartic acid, which is acidic and polar, with asparagine, which is neutral and polar, at codon 86 of the ARL3 protein (p.Asp86Asn). This variant is present in population databases (rs755208642, gnomAD 0.04%). This variant has not been reported in the literature in individuals affected with ARL3-related conditions. ClinVar contains an entry for this variant (Variation ID: 1376447). An algorithm developed to predict the effect of missense changes on protein structure and function (PolyPhen-2) suggests that this variant is likely to be disruptive. In summary, the available evidence is currently insufficient to determine the role of this variant in disease. Therefore, it has been classified as a Variant of Uncertain Significance.

Ambry Genetics
Classification: Uncertain significance for Inborn genetic diseases. Last evaluated: 2024-12-09. Review status: criteria provided, single submitter. Criteria: Ambry Variant Classification Scheme 2023. Collection method: clinical testing. Allele origin: germline.

Blueprint Genetics
Classification: Uncertain significance. Last evaluated: 2021-01-29. Review status: criteria provided, single submitter. Criteria: ACMG Guidelines, 2015. Collection method: clinical testing. Allele origin: germline.

NM_004311.4(ARL3):c.256G>A (p.Asp86Asn)

Gene: ARL3 (ARF like GTPase 3; minus strand). Cytogenetic location: 10q24.32.
Variant type: single nucleotide variant.
Coding change: c.256G>A on transcript NM_004311.4 (MANE Select); coding-DNA position 256, G replaced by A.
Protein change: p.Asp86Asn; replaces aspartic acid 86 with asparagine.
Molecular consequence: missense variant.
Genome position (GRCh38, 1-based): chr10:102,699,381, C>T on the plus strand (G>A on the coding strand, the complement: ARL3 is on the minus strand). VCF-style: chr10-102699381-C-T. GRCh37 (hg19) VCF-style: chr10-104459138-C-T.
Other names: c.256G>A (NM_004311.3); short protein forms D86N.
Identifiers: ClinVar variation 1376447 (VCV001376447.8), dbSNP rs755208642, ClinGen allele CA5668491.